The following is an entry in ClinVar:

NM_020843.4(SCAPER):c.2514T>C (p.His838=)

Gene: SCAPER (S-phase cyclin A associated protein in the ER; minus strand). Cytogenetic location: 15q24.3.
Variant type: single nucleotide variant.
Coding change: c.2514T>C on transcript NM_020843.4 (MANE Select); coding-DNA position 2514, T replaced by C.
Protein change: p.His838=; no amino-acid change (histidine 838 retained).
Molecular consequence: synonymous variant. On other transcripts: non-coding transcript variant (1).
Genome position (GRCh38, 1-based): chr15:76,665,784, A>G on the plus strand (T>C on the coding strand, the complement: SCAPER is on the minus strand). VCF-style: chr15-76665784-A-G. GRCh37 (hg19) VCF-style: chr15-76958125-A-G.
Other names: c.1776T>C, p.His592= (NM_001145923.2); c.2532T>C, p.His844= (NM_001353009.2); c.2112T>C, p.His704= (NM_001353010.2, NM_001353012.2); c.2130T>C, p.His710= (NM_001353011.2).
Identifiers: ClinVar variation 4987346 (VCV004987346.1).
Genomic context (GRCh38, chr15:76,665,784, plus strand): 5'-AGCTTCTGCTGGAGCTGTACTTTCAACCACAATGTCAATAATGTACTTCTTCAAGGAAAG[A>G]TGCTCCTGCAAGATAAATAAATAAAATAATAATAATGAGGATGATCATTTAAATATAATA-3'
Protein context (NP_065894.2, residues 828-848): GRELSDEEVE[His838=]LSLKKYIIDI

ClinVar aggregate classification (germline): Likely benign (1 of 4 stars; one submission).

Conditions:
SCAPER-related disorder. Also called: SCAPER-related condition.

Submission:

PreventionGenetics, part of Exact Sciences
Classification: Likely benign for SCAPER-related condition. Last evaluated: 2025-09-24. Review status: criteria provided, single submitter. Criteria: ACMG Guidelines, 2015. Collection method: clinical testing. Allele origin: germline.
Comment: This variant is classified as likely benign based on ACMG/AMP sequence variant interpretation guidelines (Richards et al. 2015 PMID: 25741868, with internal and published modifications).